The following is an entry in ClinVar:

NM_017636.4(TRPM4):c.3131+110C>A

Gene: TRPM4 (transient receptor potential cation channel subfamily M member 4; plus strand). Cytogenetic location: 19q13.33.
Variant type: single nucleotide variant.
Coding change: c.3131+110C>A on transcript NM_017636.4 (MANE Select); 110 bases into the intron after coding-DNA position 3131, C replaced by A.
Molecular consequence: intron variant.
Genome position (GRCh38, 1-based): chr19:49,202,251, C>A. VCF-style: chr19-49202251-C-A. GRCh37 (hg19) VCF-style: chr19-49705508-C-A.
Other names: c.2696+110C>A (NM_001195227.2); c.1523+110C>A (NM_001321282.2); c.2786+110C>A (NM_001321281.2); c.2609+110C>A (NM_001321283.2); c.2069+110C>A (NM_001321285.2).
Identifiers: ClinVar variation 679807 (VCV000679807.1), dbSNP rs116768201, ClinGen allele CA309459480.

ClinVar aggregate classification (germline): Likely benign (1 of 4 stars; one submission).

Allele frequency attached by ClinVar (database versions not stated): gnomAD exomes 0.00060; gnomAD 0.00540 and 0.00580; 1000 Genomes Project 0.00579; 1000 Genomes Project 30x 0.00593; TOPMed 0.00608.
gnomAD v4.1: 1,526 of 1,306,492 alleles (0.12%); highest among the groups gnomAD compares: African/African-American, 2%; 14 homozygotes.

Submission:

GeneDx
Classification: Likely benign. Last evaluated: 2018-06-15. Review status: criteria provided, single submitter. Criteria: GeneDx Variant Classification (06012015). Collection method: clinical testing. Allele origin: germline. Affected: yes.
Comment: This variant is considered likely benign or benign based on one or more of the following criteria: it is a conservative change, it occurs at a poorly conserved position in the protein, it is predicted to be benign by multiple in silico algorithms, and/or has population frequency not consistent with disease.